The following is an entry in ClinVar:

ClinVar aggregate classification (germline): Pathogenic/Likely pathogenic. Review status: criteria provided, multiple submitters, no conflicts (2 of 4 stars). 5 submissions from 5 submitters: Pathogenic (1); Likely pathogenic (3). 1 of the submissions does not count toward it. Last evaluated 2026-01-06.

Conditions:
Lysosomal acid lipase deficiency. Also called: Acid cholesteryl ester hydrolase deficiency, type 2. Identifiers: Orphanet 275761, MedGen C5574740, MONDO:0800449, MONDO:0010204.
Wolman disease (WOLD). Also called: Acid cholesteryl ester hydrolase deficiency, Wolman type; Acid lipase disease; Wolman disease with hypolipoproteinemia and acanthocytosis; LYSOSOMAL ACID LIPASE DEFICIENCY, ACUTE INFANTILE; LYSOSOMAL ACID LIPASE DEFICIENCY, COMPLETE; LIPA DEFICIENCY, COMPLETE. Identifiers: Orphanet 75233, MedGen C0043208, MONDO:0019148, OMIM 620151.
Cardiovascular phenotype. Identifiers: MedGen CN230736.

Allele frequency attached by ClinVar (database versions not stated): TOPMed 0.00003.
gnomAD v4.1: 26 of 1,603,534 alleles (0.0016%); highest among the groups gnomAD compares: Admixed American, 0.0033%; no homozygotes.

Submissions (5):

Natera, Inc.
Classification: Likely pathogenic for Lysosomal acid lipase deficiency. Last evaluated: 2026-01-06. Review status: criteria provided, single submitter. Criteria: Natera Variant Classification Schema (03/2026). Collection method: clinical testing. Allele origin: germline.
Comment: The c.894G>C variant in LIPA is a missense variant predicted to cause substitution of glutamine to histidine at amino acid 298. This variant is rare in the general population with a frequency below the threshold expected for the associated phenotype(s). This variant has been observed in one or more individuals affected with the associated recessive disease, as either homozygous or compound heterozygous with a second variant (PMID: 28220406, 24048164, 31182375). Functional studies show that this variant may disrupt protein function (PMID: 29196158). Computational prediction algorithms indicate this variant is likely to affect gene or protein function. Given the available evidence, this variant is classified as Likely Pathogenic.

Ambry Genetics
Classification: Likely pathogenic for Cardiovascular phenotype. Last evaluated: 2026-01-05. Review status: criteria provided, single submitter. Criteria: Ambry Variant Classification Scheme 2023. Collection method: clinical testing. Allele origin: germline.
Comment: The p.Q298H variant (also known as c.894G>C), located in coding exon 7 of the LIPA gene, results from a G to C substitution at nucleotide position 894. The amino acid change results in glutamine to histidine at codon 298, an amino acid with highly similar properties. However, this change occurs in the last base pair of coding exon 7, which makes it likely to have some effect on normal mRNA splicing. This variant has been identified in the homozygous state and/or in conjunction with other LIPA variant(s) in individual(s) with features consistent with Lysosomal acid lipase deficiency (Consuelo-S&aacute;nchez A et al. Ann Hepatol, 2019 May;18:646-650). (Stitziel NO et al. Arterioscler Thromb Vasc Biol, 2013 Dec;33:2909-14; G&oacute;mez-N&aacute;jera M et al. J Pediatr Gastroenterol Nutr, 2015 Mar;60:e22-4; Ruiz-Andr&eacute;s C et al. JIMD Rep, 2017 Feb;37:7-12). This variant is considered to be rare based on population cohorts in the Genome Aggregation Database (gnomAD). This nucleotide position is highly conserved in available vertebrate species. In silico splice site analysis predicts that this alteration will weaken the native splice donor site. This amino acid position is highly conserved in available vertebrate species. In addition, as a missense substitution this is predicted to be inconclusive by in silico analysis. Based on the majority of available evidence to date, this variant is likely to be pathogenic.

Labcorp Genetics (formerly Invitae), Labcorp
Classification: Pathogenic for Wolman disease. Last evaluated: 2023-10-15. Review status: criteria provided, single submitter. Criteria: Invitae Variant Classification Sherloc (09022015). Collection method: clinical testing. Allele origin: germline.
Comment: This sequence change replaces glutamine, which is neutral and polar, with histidine, which is basic and polar, at codon 298 of the LIPA protein (p.Gln298His). This variant also falls at the last nucleotide of exon 8, which is part of the consensus splice site for this exon. This variant is present in population databases (no rsID available, gnomAD 0.003%). This missense change has been observed in individual(s) with lysosomal acid lipase deficiency (PMID: 24048164, 28220406; Invitae). In at least one individual the data is consistent with being in trans (on the opposite chromosome) from a pathogenic variant. ClinVar contains an entry for this variant (Variation ID: 430634). An algorithm developed to predict the effect of missense changes on protein structure and function (PolyPhen-2) suggests that this variant is likely to be disruptive. Variants that disrupt the consensus splice site are a relatively common cause of aberrant splicing (PMID: 17576681, 9536098). Algorithms developed to predict the effect of sequence changes on RNA splicing suggest that this variant may disrupt the consensus splice site. For these reasons, this variant has been classified as Pathogenic.

Neuberg Centre For Genomic Medicine, NCGM
Classification: Likely pathogenic for Cholesteryl ester storage disease. Review status: criteria provided, single submitter. Criteria: ACMG Guidelines, 2015. Collection method: clinical testing. Allele origin: germline. Inheritance: Autosomal recessive inheritance. Affected: yes.
Comment: The LIPA c.894G>C (p.Gln298His) variant has been reported in homozygous or compound heterozygous state in individuals affected with lysosomal acid lipase deficiency (Consuelo-Sánchez et al). The p.Gln298His variant is reported with the allele frequency of 0.001194% in gnomAD and is novel (not in any individuals) in 1000 Genomes. This variant has been reported to the ClinVar database as Likely pathogenic . The amino acid Gln at position 298 is changed to a His changing protein sequence and it might alter its composition and physico-chemical properties. The variant is predicted to be damaging by both SIFT and PolyPhen2. The residue is conserved across species. The amino acid change p.Gln298His in LIPA is predicted as conserved by GERP++ and PhyloP across 100 vertebrates. For these reasons, this variant has been classified as Likely pathogenic.

Foundation for Research in Genetics and Endocrinology, FRIGE's Institute of Human Genetics
Classification: Likely pathogenic for Cholesteryl ester storage disease. Last evaluated: 2017-07-04. Review status: no assertion criteria provided. Collection method: clinical testing. Allele origin: germline. Inheritance: Autosomal recessive inheritance. Affected: yes. Observed: 1 homozygote. Not counted in ClinVar's aggregate classification.
Comment: The observed mutation is not reported in 1000 genomes and ExAC databases. However, it is reported by Gomez et al. 2015. The in silico prediction of the mutation is probably damaging by PolyPhen-2 and damaging by SIFT, LRT and MutationTaster2. The blood report revealed low platelet, low WBC and low hemoglobin.

Literature cited by the submitters: PubMed 28220406 (cited by 3 submitters); PubMed 24048164 (cited by 3 submitters); PubMed 31182375 (cited by Natera, Inc. and Ambry Genetics); PubMed 29196158 (cited by Natera, Inc.); PubMed 24072694 (cited by Ambry Genetics); PubMed 17576681 (cited by Labcorp Genetics (formerly Invitae), Labcorp); PubMed 9536098 (cited by Labcorp Genetics (formerly Invitae), Labcorp).

NM_000235.4(LIPA):c.894G>C (p.Gln298His)

Gene: LIPA (lipase A, lysosomal acid type; minus strand). Cytogenetic location: 10q23.31.
Variant type: single nucleotide variant.
Coding change: c.894G>C on transcript NM_000235.4 (MANE Select); coding-DNA position 894, G replaced by C.
Protein change: p.Gln298His; replaces glutamine 298 with histidine.
Molecular consequence: missense variant.
Genome position (GRCh38, 1-based): chr10:89,222,511, C>G on the plus strand (G>C on the coding strand, the complement: LIPA is on the minus strand). VCF-style: chr10-89222511-C-G. GRCh37 (hg19) VCF-style: chr10-90982268-C-G.
Other names: c.894G>C, p.Gln298His (NM_001127605.3); c.546G>C, p.Gln182His (NM_001288979.2); c.894G>C (NM_000235.2); short protein forms Q298H, Q182H.
Identifiers: ClinVar variation 430634 (VCV000430634.12), dbSNP rs116928232, ClinGen allele CA377516637.